The following is an entry in ClinVar:

NM_018965.4(TREM2):c.*156G>T

Gene: TREM2 (triggering receptor expressed on myeloid cells 2; minus strand). Cytogenetic location: 6p21.1.
Variant type: single nucleotide variant.
Coding change: c.*156G>T on transcript NM_018965.4 (MANE Select); 156 bases downstream of the stop codon, G replaced by T.
Molecular consequence: 3 prime UTR variant. On other transcripts: missense variant (1).
Genome position (GRCh38, 1-based): chr6:41,158,608, C>A on the plus strand (G>T on the coding strand, the complement: TREM2 is on the minus strand). VCF-style: chr6-41158608-C-A. GRCh37 (hg19) VCF-style: chr6-41126346-C-A.
Other names: c.655G>T, p.Gly219Cys (NM_001271821.2); short protein forms G219C.
Identifiers: ClinVar variation 907354 (VCV000907354.8), dbSNP rs768583708, ClinGen allele CA3798768.

ClinVar aggregate classification (germline): Uncertain significance. Review status: criteria provided, multiple submitters, no conflicts (2 of 4 stars). 2 submissions from 2 submitters: Uncertain significance (2). Last evaluated 2025-01-06.

Conditions:
Polycystic lipomembranous osteodysplasia with sclerosing leukoencephalopathy 2. Also called: TREM2-Related Polycystic Lipomembranous Osteodysplasia with Sclerosing Leukoencephalopathy. Identifiers: MedGen C4748657, MONDO:0020750, OMIM 618193.

Allele frequency attached by ClinVar (database versions not stated): gnomAD exomes 0.00006 and 0.00009; gnomAD 0.00007; TOPMed 0.00014; ExAC 0.00019.
gnomAD v4.1: 96 of 1,568,310 alleles (0.0061%); highest among the groups gnomAD compares: Middle Eastern, 0.13%; 1 homozygote.

Submissions (2):

Labcorp Genetics (formerly Invitae), Labcorp
Classification: Uncertain significance. Last evaluated: 2025-01-06. Review status: criteria provided, single submitter. Criteria: Invitae Variant Classification Sherloc (09022015). Collection method: clinical testing. Allele origin: germline.
Comment: The TREM2 gene has multiple clinically relevant transcripts. This variant occurs in alternate transcript NM_001271821.1, and corresponds to NM_018965.3:c.*156G>T in the primary transcript. This sequence change replaces glycine, which is neutral and non-polar, with cysteine, which is neutral and slightly polar, at codon 219 of the TREM2 protein (p.Gly219Cys). This variant is present in population databases (rs768583708, gnomAD 0.03%). This variant has been observed in a cohort of patients affected with Alzheimer disease and healthy controls (PMID: 27084067). ClinVar contains an entry for this variant (Variation ID: 907354). Experimental studies and prediction algorithms are not available or were not evaluated, and the functional significance of this variant is currently unknown. In summary, the available evidence is currently insufficient to determine the role of this variant in disease. Therefore, it has been classified as a Variant of Uncertain Significance.

Illumina Laboratory Services, Illumina
Classification: Uncertain significance for Polycystic lipomembranous osteodysplasia with sclerosing leukoencephalopathy 2. Last evaluated: 2018-01-13. Review status: criteria provided, single submitter. Criteria: ICSL Variant Classification Criteria 13 December 2019. Collection method: clinical testing. Allele origin: germline.

Literature cited by the submitters: PubMed 27084067 (cited by Labcorp Genetics (formerly Invitae), Labcorp).